The following is an entry in ClinVar:

ClinVar aggregate classification (germline): Benign. Review status: reviewed by expert panel (3 of 4 stars). 24 submissions from 22 submitters: Benign (1). 23 of the submissions do not count toward it. Last evaluated 2017-04-18.

Conditions:
Noonan syndrome and Noonan-related syndrome. Identifiers: Orphanet 98733, MedGen C5681679, MONDO:0020297.
RASopathy. Also called: rasopathies; Noonan spectrum disorder. Identifiers: Orphanet 536391, MedGen C5555857, MONDO:0021060.
Noonan syndrome (NS). Also called: Noonan's syndrome. Identifiers: Orphanet 648, MedGen C0028326, MeSH D009634, MONDO:0018997. Disease mechanism: gain of function.
LEOPARD syndrome 1 (LPRD1). Also called: LENTIGINOSIS, CARDIOMYOPATHIC; MULTIPLE LENTIGINES SYNDROME; PTPN11-Related LEOPARD Syndrome. Identifiers: Orphanet 500, MedGen C4551484, MONDO:0100082, OMIM 151100.
Noonan syndrome 1 (NS1). Also called: PTPN11-Related Noonan Syndrome; FEMALE PSEUDO-TURNER SYNDROME; TURNER PHENOTYPE WITH NORMAL KARYOTYPE. Identifiers: Orphanet 648, MedGen C4551602, MONDO:0008104, OMIM 163950. Disease mechanism: gain of function.
Metachondromatosis (METCDS). Identifiers: Orphanet 2499, MedGen C0410530, MONDO:0007979, OMIM 156250.

Allele frequency attached by ClinVar (database versions not stated): 1000 Genomes Project 30x 0.00047; ExAC 0.00059; 1000 Genomes Project 0.00060; gnomAD 0.00062 and 0.00064; TOPMed 0.00062; gnomAD exomes 0.00067; ESP Exome Variant Server 0.00115.
gnomAD v4.1: 2,078 of 1,595,796 alleles (0.13%); highest among the groups gnomAD compares: Non-Finnish European, 0.17%; 4 homozygotes.

Submissions (24):

ClinGen RASopathy Variant Curation Expert Panel
Classification: Benign for Noonan syndrome and Noonan-related syndrome. Last evaluated: 2017-04-18. Review status: reviewed by expert panel. Criteria: ClinGen RASopathy ACMG Specifications v1. Collection method: curation. Allele origin: germline. Inheritance: Autosomal dominant inheritance.
Comment: The filtering allele frequency of the c.526-8C>A variant in the PTPN11 gene is 0.079% (65/66646) of European chromosomes by the Exome Aggregation Consortium, which is a high enough frequency to be classified as benign based on thresholds defined by the ClinGen RASopathy Expert Panel (BA1; PMID:29493581)

CeGaT Center for Human Genetics Tuebingen
Classification: Likely benign. Last evaluated: 2026-03-01. Review status: criteria provided, single submitter. Criteria: CeGaT Center For Human Genetics Tuebingen Variant Classification Criteria Version 2. Collection method: clinical testing. Allele origin: germline. Affected: yes. Observed: 9 variant alleles. Not counted in ClinVar's aggregate classification.
Comment: PTPN11: BP4, BS1

Labcorp Genetics (formerly Invitae), Labcorp
Classification: Benign for RASopathy. Last evaluated: 2026-01-28. Review status: criteria provided, single submitter. Criteria: Invitae Variant Classification Sherloc (09022015). Collection method: clinical testing. Allele origin: germline. Not counted in ClinVar's aggregate classification.

ARUP Laboratories, Molecular Genetics and Genomics, ARUP Laboratories
Classification: Benign. Last evaluated: 2025-04-22. Review status: criteria provided, single submitter. Criteria: ARUP Molecular Germline Variant Investigation Process 2024. Collection method: clinical testing. Allele origin: germline. Not counted in ClinVar's aggregate classification.

Molecular Diagnostic Laboratory for Inherited Cardiovascular Disease, Montreal Heart Institute
Classification: Benign. Last evaluated: 2025-04-09. Review status: criteria provided, single submitter. Criteria: ACMG Guidelines, 2015. Collection method: clinical testing. Allele origin: germline. Affected: no. Not counted in ClinVar's aggregate classification.

Blueprint Genetics
Classification: Likely benign. Last evaluated: 2024-11-21. Review status: criteria provided, single submitter. Criteria: ACMG Guidelines, 2015. Collection method: clinical testing. Allele origin: germline. Not counted in ClinVar's aggregate classification.

Genetic Services Laboratory, University of Chicago
Classification: Likely benign. Last evaluated: 2020-09-17. Review status: criteria provided, single submitter. Criteria: ACMG Guidelines, 2015. Collection method: clinical testing. Allele origin: germline. Affected: no. Not counted in ClinVar's aggregate classification.

Genome Diagnostics Laboratory, The Hospital for Sick Children
Classification: Benign for Noonan syndrome and Noonan-related syndrome. Last evaluated: 2020-04-01. Review status: criteria provided, single submitter. Criteria: ACMG Guidelines, 2015. Collection method: clinical testing. Allele origin: germline. Not counted in ClinVar's aggregate classification.

Mayo Clinic Laboratories, Mayo Clinic
Classification: Benign. Last evaluated: 2019-06-04. Review status: criteria provided, single submitter. Criteria: ACMG Guidelines, 2015. Collection method: clinical testing. Allele origin: germline. Observed: 9 variant alleles. Not counted in ClinVar's aggregate classification.

Centre for Mendelian Genomics, University Medical Centre Ljubljana
Classification: Benign for LEOPARD syndrome 1. Last evaluated: 2019-03-08. Review status: criteria provided, single submitter. Criteria: ACMG Guidelines, 2015. Collection method: clinical testing. Allele origin: unknown. Affected: yes. Not counted in ClinVar's aggregate classification.
Comment: This variant was classified as: Benign. The following ACMG criteria were applied in classifying this variant: BS1,BS2.

Illumina Laboratory Services, Illumina
Classification: Benign for Metachondromatosis. Last evaluated: 2017-04-27. Review status: criteria provided, single submitter. Criteria: ICSL Variant Classification Criteria 13 December 2019. Collection method: clinical testing. Allele origin: germline. Not counted in ClinVar's aggregate classification.
Comment: This variant was observed as part of a predisposition screen in an ostensibly healthy population. A literature search was performed for the gene, cDNA change, and amino acid change (where applicable). No publications were found based on this search. Allele frequency data from public databases was too high to be consistent with this variant causing disease. Therefore, this variant is classified as benign.

Illumina Laboratory Services, Illumina
Classification: Benign for LEOPARD syndrome 1. Last evaluated: 2017-04-27. Review status: criteria provided, single submitter. Criteria: ICSL Variant Classification Criteria 13 December 2019. Collection method: clinical testing. Allele origin: germline. Not counted in ClinVar's aggregate classification.
Comment: the same text as in the submission from Illumina Laboratory Services, Illumina above.

Illumina Laboratory Services, Illumina
Classification: Uncertain significance for Noonan syndrome 1. Last evaluated: 2017-04-27. Review status: criteria provided, single submitter. Criteria: ICSL Variant Classification Criteria 13 December 2019. Collection method: clinical testing. Allele origin: germline. Not counted in ClinVar's aggregate classification.

Center for Pediatric Genomic Medicine, Children's Mercy Hospital and Clinics
Classification: Likely benign. Last evaluated: 2016-10-17. Review status: criteria provided, single submitter. Criteria: ACMG Guidelines, 2015. Collection method: clinical testing. Allele origin: germline. Not counted in ClinVar's aggregate classification.
ClinVar note: Converted during submission from Likely Benign to Likely benign.

Eurofins Ntd Llc (ga)
Classification: Benign. Last evaluated: 2016-05-31. Review status: criteria provided, single submitter. Criteria: EGL Classification Definitions 2015. Collection method: clinical testing. Allele origin: germline. Observed: 1 variant allele, 1 heterozygote. Not counted in ClinVar's aggregate classification.

Laboratory for Molecular Medicine, Mass General Brigham Personalized Medicine
Classification: Likely benign. Last evaluated: 2015-05-18. Review status: criteria provided, single submitter. Criteria: LMM Criteria. Collection method: clinical testing. Allele origin: germline. Observed: 10 variant alleles. Not counted in ClinVar's aggregate classification.
Comment: c.526-8C>A in intron 4 of PTPN11: This variant is not expected to have clinical significance because a change at this position does not diverge from the splice consensus sequence and is therefore unlikely to impact splicing. Furthermore, sp lice variants are not a known mechanism of disease for Noonan syndrome. It has a lso been identified in 0.1% (65/66646) of European chromosomes by the Exome Aggr egation Consortium (ExAC; dbSNP rs184804143).

GeneDx
Classification: Benign for Rasopathy. Review status: criteria provided, single submitter. Criteria: GeneDx Variant Classification (06012015). Collection method: clinical testing. Allele origin: unknown. Not counted in ClinVar's aggregate classification.
ClinVar note: Converted during submission from POLY to Benign.

PreventionGenetics, part of Exact Sciences
Classification: Likely benign. Review status: criteria provided, single submitter. Criteria: ACMG Guidelines, 2015. Collection method: clinical testing. Allele origin: germline. Not counted in ClinVar's aggregate classification.

Women's Health and Genetics/Laboratory Corporation of America, LabCorp
Classification: Benign for Noonan's Syndrome. Last evaluated: 2013-10-11. Review status: no assertion criteria provided. Collection method: clinical testing. Allele origin: germline. Not counted in ClinVar's aggregate classification.

Clinical Genetics DNA and cytogenetics Diagnostics Lab, Erasmus MC, Erasmus Medical Center
Classification: Likely benign. Review status: no assertion criteria provided. Collection method: clinical testing. Allele origin: germline. Affected: yes. Study: VKGL Data-share Consensus. Not counted in ClinVar's aggregate classification.

Clinical Genetics, Academic Medical Center
Classification: Benign. Review status: no assertion criteria provided. Collection method: clinical testing. Allele origin: germline. Affected: yes. Study: VKGL Data-share Consensus. Not counted in ClinVar's aggregate classification.

Genome Diagnostics Laboratory, Amsterdam University Medical Center
Classification: Likely benign. Review status: no assertion criteria provided. Collection method: clinical testing. Allele origin: germline. Affected: yes. Study: VKGL Data-share Consensus. Not counted in ClinVar's aggregate classification.

Joint Genome Diagnostic Labs from Nijmegen and Maastricht, Radboudumc and MUMC+
Classification: Likely benign. Review status: no assertion criteria provided. Collection method: clinical testing. Allele origin: germline. Affected: yes. Study: VKGL Data-share Consensus. Not counted in ClinVar's aggregate classification.

Laboratory of Diagnostic Genome Analysis, Leiden University Medical Center (LUMC)
Classification: Likely benign. Review status: no assertion criteria provided. Collection method: clinical testing. Allele origin: germline. Affected: yes. Study: VKGL Data-share Consensus. Not counted in ClinVar's aggregate classification.

NM_002834.5(PTPN11):c.526-8C>A

Gene: PTPN11 (protein tyrosine phosphatase non-receptor type 11; plus strand). Cytogenetic location: 12q24.13.
Variant type: single nucleotide variant.
Coding change: c.526-8C>A on transcript NM_002834.5 (MANE Select); 8 bases into the intron before coding-DNA position 526, C replaced by A.
Molecular consequence: intron variant.
Genome position (GRCh38, 1-based): chr12:112,454,556, C>A. VCF-style: chr12-112454556-C-A. GRCh37 (hg19) VCF-style: chr12-112892360-C-A.
Other names: p.?; c.526-8C>A (NM_001330437.2, NM_080601.3); c.523-8C>A (NM_001374625.1).
Identifiers: ClinVar variation 36709 (VCV000036709.72), dbSNP rs184804143, ClinGen allele CA134672.